The following is an entry in ClinVar:

NM_000096.4(CP):c.932T>G (p.Ile311Ser)

Gene: CP (ceruloplasmin; minus strand). Cytogenetic location: 3q25.1.
Variant type: single nucleotide variant.
Coding change: c.932T>G on transcript NM_000096.4 (MANE Select); coding-DNA position 932, T replaced by G.
Protein change: p.Ile311Ser; replaces isoleucine 311 with serine.
Molecular consequence: missense variant. On other transcripts: non-coding transcript variant (1).
Genome position (GRCh38, 1-based): chr3:149,207,467, A>C on the plus strand (T>G on the coding strand, the complement: CP is on the minus strand). VCF-style: chr3-149207467-A-C. GRCh37 (hg19) VCF-style: chr3-148925254-A-C.
Other names: short protein forms I311S.
Identifiers: ClinVar variation 3351881 (VCV003351881.2).

ClinVar aggregate classification (germline): Uncertain significance. Review status: criteria provided, single submitter (1 of 4 stars). 2 submissions from 2 submitters: Uncertain significance (1). 1 of the submissions does not count toward it. Last evaluated 2025-03-07.

Conditions:
CP-related disorder. Also called: CP-related condition.
Inborn genetic diseases. Identifiers: MedGen C0950123, MeSH D030342.

gnomAD v4.1: 45 of 1,614,026 alleles (0.0028%); highest among the groups gnomAD compares: Middle Eastern, 0.033%; no homozygotes.

Submissions (2):

Ambry Genetics
Classification: Uncertain significance for Inborn genetic diseases. Last evaluated: 2025-03-07. Review status: criteria provided, single submitter. Criteria: Ambry Variant Classification Scheme 2023. Collection method: clinical testing. Allele origin: germline.

PreventionGenetics, part of Exact Sciences
Classification: Uncertain significance for CP-related condition. Last evaluated: 2024-05-07. Review status: no assertion criteria provided. Collection method: clinical testing. Allele origin: germline. Not counted in ClinVar's aggregate classification.
Comment: The CP c.932T>G variant is predicted to result in the amino acid substitution p.Ile311Ser. To our knowledge, this variant has not been reported in the literature. This variant is reported in 0.042% of alleles in individuals of South Asian descent in gnomAD. Although we suspect that this variant may be benign, the clinical significance of this variant is classified as uncertain at this time due to insufficient functional and genetic evidence.